The following is an entry in ClinVar:

NM_001080517.3(SETD5):c.3949del (p.Thr1317fs)

Gene: SETD5 (SET domain containing 5; plus strand). Cytogenetic location: 3p25.3.
Variant type: Deletion.
Coding change: c.3949del on transcript NM_001080517.3 (MANE Select); coding-DNA position 3949, one base deleted (A; older notation c.3949delA).
Protein change: p.Thr1317fs; shifts the reading frame from threonine 1317.
Molecular consequence: frameshift variant.
Genome position (GRCh38, 1-based): chr3:9,475,711, A deleted. VCF-style (leftmost placement, unchanged base first): chr3-9475710-GA-G. GRCh37 (hg19) VCF-style: chr3-9517394-GA-G.
Other names: c.3655del, p.Thr1219fs (NM_001292043.2, NM_001349451.2); short protein forms T1219fs, T1317fs.
Identifiers: ClinVar variation 422791 (VCV000422791.2), dbSNP rs1064796001, ClinGen allele CA16618017.

ClinVar aggregate classification (germline): Likely pathogenic (1 of 4 stars; one submission).

Submission:

GeneDx
Classification: Likely pathogenic. Last evaluated: 2016-12-07. Review status: criteria provided, single submitter. Criteria: GeneDx Variant Classification (06012015). Collection method: clinical testing. Allele origin: germline. Affected: yes.
Comment: A novel variant that is likely pathogenic has been identified in the SETD5 gene. The c.3949delA variant has not been published as a pathogenic variant, nor has it been reported as a benign variant to our knowledge. It is not observed in large population cohorts (Lek et al., 2016; 1000 Genomes Consortium et al., 2015; Exome Variant Server). The c.3949delA variant causes a frameshift starting with codon Threonine 1317, changes this amino acid to a Histidine residue and creates a premature Stop codon at position 53 of the new reading frame, denoted p.Thr1317HisfsX53. This variant is predicted to cause loss of normal protein function through protein truncation, as the last 126 amino acid residues are replaced by 52 incorrect ones. Therefore, this variant is likely pathogenic.